The following is an entry in ClinVar:

ClinVar aggregate classification (germline): Pathogenic/Likely pathogenic. Review status: criteria provided, multiple submitters, no conflicts (2 of 4 stars). 2 submissions from 2 submitters: Pathogenic (1); Likely pathogenic (1). Last evaluated 2025-01-23.

Conditions:
Hereditary fructosuria. Also called: ALDOB DEFICIENCY; ALDOLASE B DEFICIENCY; FRUCTOSE-1,6-BISPHOSPHATE ALDOLASE B DEFICIENCY; FRUCTOSE-1-PHOSPHATE ALDOLASE DEFICIENCY; FRUCTOSEMIA; Hereditary fructose intolerance. Identifiers: Orphanet 469, MedGen C0016751, MONDO:0009249, OMIM 229600, HP:0005973. Disease mechanism: loss of function.

Submissions (2):

Natera, Inc.
Classification: Pathogenic for Fructose intolerance. Last evaluated: 2025-01-23. Review status: criteria provided, single submitter. Criteria: Natera Variant Classification Schema (03/2026). Collection method: clinical testing. Allele origin: germline.
Comment: The c.799+1G>A variant in ALDOB is a canonical splice donor site variant predicted to affect pre-mRNA splicing, which may result in an abnormal transcript and altered protein product. This variant is expected to result in nonsense mediated decay, truncation, or a dysfunctional protein product. This variant is rare in the general population with a frequency below the threshold expected for the associated phenotype(s). Another variant at this same site results in an alteration predicted to cause a similar molecular effect has been observed in individual(s) with the associated phenotype. Given the available evidence, this variant is classified as Pathogenic.

Labcorp Genetics (formerly Invitae), Labcorp
Classification: Likely pathogenic for Hereditary fructosuria. Last evaluated: 2022-02-20. Review status: criteria provided, single submitter. Criteria: Invitae Variant Classification Sherloc (09022015). Collection method: clinical testing. Allele origin: germline.
Comment: In summary, the currently available evidence indicates that the variant is pathogenic, but additional data are needed to prove that conclusively. Therefore, this variant has been classified as Likely Pathogenic. Algorithms developed to predict the effect of sequence changes on RNA splicing suggest that this variant may disrupt the consensus splice site. Disruption of this splice site has been observed in individual(s) with hereditary fructose intolerance (PMID: 15880727). This variant is not present in population databases (gnomAD no frequency). This sequence change affects a donor splice site in intron 7 of the ALDOB gene. It is expected to disrupt RNA splicing. Variants that disrupt the donor or acceptor splice site typically lead to a loss of protein function (PMID: 16199547), and loss-of-function variants in ALDOB are known to be pathogenic (PMID: 18541450).

Literature cited by the submitters: PubMed 15880727 (cited by Labcorp Genetics (formerly Invitae), Labcorp); PubMed 16199547 (cited by Labcorp Genetics (formerly Invitae), Labcorp); PubMed 18541450 (cited by Labcorp Genetics (formerly Invitae), Labcorp).

NM_000035.4(ALDOB):c.799+1G>A

Gene: ALDOB (aldolase, fructose-bisphosphate B; minus strand). Cytogenetic location: 9q31.1.
Variant type: single nucleotide variant.
Coding change: c.799+1G>A on transcript NM_000035.4 (MANE Select); the canonical splice donor site of the intron after coding-DNA position 799, G replaced by A.
Molecular consequence: splice donor variant.
Genome position (GRCh38, 1-based): chr9:101,425,452, C>T on the plus strand (G>A on the coding strand, the complement: ALDOB is on the minus strand). VCF-style: chr9-101425452-C-T. GRCh37 (hg19) VCF-style: chr9-104187734-C-T.
Other names: c.799+1G>A (NM_000035.3).
Identifiers: ClinVar variation 2069207 (VCV002069207.5), dbSNP rs2490120043, ClinGen allele CA374264611.